The following is an entry in ClinVar:

NM_001267550.2(TTN):c.11032C>G (p.Gln3678Glu)

Gene: TTN (titin; minus strand). Cytogenetic location: 2q31.2.
Variant type: single nucleotide variant.
Coding change: c.11032C>G on transcript NM_001267550.2 (MANE Select); coding-DNA position 11032, C replaced by G.
Protein change: p.Gln3678Glu; replaces glutamine 3678 with glutamic acid.
Molecular consequence: missense variant. On other transcripts: intron variant (5).
Genome position (GRCh38, 1-based): chr2:178,756,444, G>C on the plus strand (C>G on the coding strand, the complement: TTN is on the minus strand). VCF-style: chr2-178756444-G-C. GRCh37 (hg19) VCF-style: chr2-179621171-G-C.
Other names: c.10519C>G, p.Gln3507Glu (NM_133437.4); c.10165+2540C>G (NM_003319.4); c.10540+1098C>G (NM_133432.3); c.10303+2540C>G (NM_133378.4, NM_001256850.1, NM_133379.5); short protein forms Q3678E, Q3507E.
Identifiers: ClinVar variation 448768 (VCV000448768.26), dbSNP rs552438291, ClinGen allele CA60993254.

ClinVar aggregate classification (germline): Uncertain significance. Review status: criteria provided, multiple submitters, no conflicts (2 of 4 stars). 2 submissions from 2 submitters: Uncertain significance (2). Last evaluated 2022-07-01.

Allele frequency attached by ClinVar (database versions not stated): gnomAD exomes 0.00001; gnomAD 0.00002 and 0.00003; TOPMed 0.00003.
gnomAD v4.1: 10 of 1,613,680 alleles (0.00062%); highest among the groups gnomAD compares: Non-Finnish European, 0.00085%; no homozygotes.

Submissions (2):

CeGaT Center for Human Genetics Tuebingen
Classification: Uncertain significance. Last evaluated: 2022-07-01. Review status: criteria provided, single submitter. Criteria: CeGaT Center For Human Genetics Tuebingen Variant Classification Criteria Version 2. Collection method: clinical testing. Allele origin: germline. Affected: yes. Observed: 1 variant allele.
Comment: TTN: PM2, BP4

Athena Diagnostics
Classification: Uncertain significance. Last evaluated: 2018-04-06. Review status: criteria provided, single submitter. Criteria: Athena Diagnostics Criteria. Collection method: clinical testing. Allele origin: germline.